The following is an entry in ClinVar:

ClinVar aggregate classification (germline): Uncertain significance (1 of 4 stars; one submission).

Allele frequency attached by ClinVar (database versions not stated): gnomAD exomes 0.00002.
gnomAD v4.1: 24 of 1,614,240 alleles (0.0015%); highest among the groups gnomAD compares: Non-Finnish European, 0.0019%; no homozygotes.

Submission:

Labcorp Genetics (formerly Invitae), Labcorp
Classification: Uncertain significance. Last evaluated: 2024-02-24. Review status: criteria provided, single submitter. Criteria: Invitae Variant Classification Sherloc (09022015). Collection method: clinical testing. Allele origin: germline.
Comment: This sequence change replaces glutamic acid, which is acidic and polar, with lysine, which is basic and polar, at codon 677 of the LETM1 protein (p.Glu677Lys). This variant is not present in population databases (gnomAD no frequency). This variant has not been reported in the literature in individuals affected with LETM1-related conditions. ClinVar contains an entry for this variant (Variation ID: 1473121). An algorithm developed to predict the effect of missense changes on protein structure and function (PolyPhen-2) suggests that this variant is likely to be tolerated. In summary, the available evidence is currently insufficient to determine the role of this variant in disease. Therefore, it has been classified as a Variant of Uncertain Significance.

NM_012318.3(LETM1):c.2029G>A (p.Glu677Lys)

Gene: LETM1 (leucine zipper and EF-hand containing transmembrane protein 1; minus strand). Cytogenetic location: 4p16.3.
Variant type: single nucleotide variant.
Coding change: c.2029G>A on transcript NM_012318.3 (MANE Select); coding-DNA position 2029, G replaced by A.
Protein change: p.Glu677Lys; replaces glutamic acid 677 with lysine.
Molecular consequence: missense variant.
Genome position (GRCh38, 1-based): chr4:1,815,705, C>T on the plus strand (G>A on the coding strand, the complement: LETM1 is on the minus strand). VCF-style: chr4-1815705-C-T. GRCh37 (hg19) VCF-style: chr4-1817432-C-T.
Other names: short protein forms E677K.
Identifiers: ClinVar variation 1473121 (VCV001473121.8), dbSNP rs2108833876, ClinGen allele CA355993832.
Genomic context (GRCh38, chr4:1,815,705, plus strand): 5'-GGTCCCCAGCGAGGCCCACCTTGACGAGGTCGTCGATGTTGACCTTGCCATCCTTGTTTT[C>T]ATCCAGTGCTGCGGCCAGGCTGGTGAGCTTGCTTTCGGGAATGTGCTTGACTTGCTTCAT-3'
Protein context (NP_036450.1, residues 667-687): KLTSLAAALD[Glu677Lys]NKDGKVNIDD